The following is an entry in ClinVar:

ClinVar aggregate classification (germline): Uncertain significance (1 of 4 stars; one submission).

Conditions:
Senior-Loken syndrome 7 (SLSN7). Identifiers: Orphanet 3156, MedGen C3150877, MONDO:0013326, OMIM 613615.
Bardet-Biedl syndrome 16 (BBS16). Identifiers: Orphanet 110, MedGen C3889474, MONDO:0014444, OMIM 615993.

Allele frequency attached by ClinVar (database versions not stated): gnomAD 0.00001; TOPMed 0.00002.
gnomAD v4.1: 1 of 1,613,010 alleles (0.000062%); highest among the groups gnomAD compares: African/African-American, 0.0013%; no homozygotes.

Submission:

Labcorp Genetics (formerly Invitae), Labcorp
Classification: Uncertain significance for Bardet-Biedl syndrome 16; Senior-Loken syndrome 7. Last evaluated: 2025-10-13. Review status: criteria provided, single submitter. Criteria: Invitae Variant Classification Sherloc (09022015). Collection method: clinical testing. Allele origin: germline.
Comment: This sequence change replaces serine, which is neutral and polar, with asparagine, which is neutral and polar, at codon 693 of the SDCCAG8 protein (p.Ser693Asn). This variant is not present in population databases (gnomAD no frequency). This variant has not been reported in the literature in individuals affected with SDCCAG8-related conditions. ClinVar contains an entry for this variant (Variation ID: 2103858). An algorithm developed to predict the effect of missense changes on protein structure and function outputs the following: PolyPhen-2: "Benign". The asparagine amino acid residue is found in multiple mammalian species, which suggests that this missense change does not adversely affect protein function. In summary, the available evidence is currently insufficient to determine the role of this variant in disease. Therefore, it has been classified as a Variant of Uncertain Significance.

NM_006642.5(SDCCAG8):c.2078G>A (p.Ser693Asn)

Genes: AKT3 (AKT serine/threonine kinase 3; minus strand), SDCCAG8 (SHH signaling and ciliogenesis regulator SDCCAG8; plus strand). Cytogenetic location: 1q43.
Variant type: single nucleotide variant.
Coding change: c.2078G>A on transcript NM_006642.5 (MANE Select); coding-DNA position 2078, G replaced by A.
Protein change: p.Ser693Asn; replaces serine 693 with asparagine.
Molecular consequence: missense variant. On other transcripts: intron variant (1).
Genome position (GRCh38, 1-based): chr1:243,489,106, G>A. VCF-style: chr1-243489106-G-A. GRCh37 (hg19) VCF-style: chr1-243652408-G-A.
Other names: c.1175G>A, p.Ser392Asn (NM_001350246.2, NM_001350247.2, NM_001350251.2); c.2174G>A, p.Ser725Asn (NM_001350248.2); c.1784G>A, p.Ser595Asn (NM_001350249.2); c.*7-656C>T (NM_181690.2); short protein forms S392N, S595N, S693N, S725N.
Identifiers: ClinVar variation 2103858 (VCV002103858.4), dbSNP rs1205844381, ClinGen allele CA345668159.